The following is an entry in ClinVar:

ClinVar aggregate classification (germline): Uncertain significance (1 of 4 stars; one submission).

Conditions:
Familial hypercholesterolemia. Also called: Familial hypercholesterolaemia. Identifiers: MedGen C0020445, MONDO:0005439.

Submission:

Color Diagnostics, LLC DBA Color Health
Classification: Uncertain significance for Familial hypercholesterolemia. Last evaluated: 2025-08-30. Review status: criteria provided, single submitter. Criteria: ACMG Guidelines, 2015. Collection method: clinical testing. Allele origin: germline.
Comment: This missense variant replaces proline with serine at codon 71 of the PCSK9 protein. Computational prediction suggests that this variant may not impact protein structure and function. To our knowledge, functional studies have not been reported for this variant. This variant has not been reported in individuals affected with PCSK9-related disorders in the literature. This variant has not been identified in the general population by the Genome Aggregation Database (gnomAD). The available evidence is insufficient to determine the role of this variant in disease conclusively. Therefore, this variant is classified as a Variant of Uncertain Significance.

NM_174936.4(PCSK9):c.211C>T (p.Pro71Ser)

Gene: PCSK9 (proprotein convertase subtilisin/kexin type 9; plus strand). Cytogenetic location: 1p32.3.
Variant type: single nucleotide variant.
Coding change: c.211C>T on transcript NM_174936.4 (MANE Select); coding-DNA position 211, C replaced by T.
Protein change: p.Pro71Ser; replaces proline 71 with serine.
Molecular consequence: missense variant. On other transcripts: 5 prime UTR variant (1), non-coding transcript variant (6), intron variant (1).
Genome position (GRCh38, 1-based): chr1:55,043,846, C>T. VCF-style: chr1-55043846-C-T. GRCh37 (hg19) VCF-style: chr1-55509519-C-T.
Other names: c.334C>T, p.Pro112Ser (NM_001407240.1); c.211C>T, p.Pro71Ser (NM_001407241.1, NM_001407242.1, NM_001407243.1 and 2 more transcripts); c.-165C>T (NM_001407246.1); c.208-2677C>T (NM_001407245.1); short protein forms P112S, P71S.
Identifiers: ClinVar variation 4757943 (VCV004757943.1).